The following is an entry in ClinVar:

ClinVar aggregate classification (germline): Pathogenic (1 of 4 stars; one submission).

Submission:

Labcorp Genetics (formerly Invitae), Labcorp
Classification: Pathogenic. Last evaluated: 2024-03-21. Review status: criteria provided, single submitter. Criteria: Invitae Variant Classification Sherloc (09022015). Collection method: clinical testing. Allele origin: germline.
Comment: This sequence change affects a donor splice site in intron 4 of the RLBP1 gene. It is expected to disrupt RNA splicing. Variants that disrupt the donor or acceptor splice site typically lead to a loss of protein function (PMID: 16199547), and loss-of-function variants in RLBP1 are known to be pathogenic (PMID: 2392416, 11301032, 21447491, 25429852). This variant is not present in population databases (gnomAD no frequency). Disruption of this splice site has been observed in individual(s) with retinitis punctata albescens (PMID: 10102299, 11868161). In at least one individual the data is consistent with being in trans (on the opposite chromosome) from a pathogenic variant. Algorithms developed to predict the effect of sequence changes on RNA splicing suggest that this variant may disrupt the consensus splice site. For these reasons, this variant has been classified as Pathogenic.

Literature cited by the submitters: PubMed 16199547; PubMed 2392416; PubMed 11301032; PubMed 21447491; PubMed 25429852; PubMed 10102299; PubMed 11868161.

NM_000326.5(RLBP1):c.141+1G>C

Gene: RLBP1 (retinaldehyde binding protein 1; minus strand). Cytogenetic location: 15q26.1.
Variant type: single nucleotide variant.
Coding change: c.141+1G>C on transcript NM_000326.5 (MANE Select); the canonical splice donor site of the intron after coding-DNA position 141, G replaced by C.
Molecular consequence: splice donor variant.
Genome position (GRCh38, 1-based): chr15:89,218,564, C>G on the plus strand (G>C on the coding strand, the complement: RLBP1 is on the minus strand). VCF-style: chr15-89218564-C-G. GRCh37 (hg19) VCF-style: chr15-89761795-C-G.
Identifiers: ClinVar variation 3647188 (VCV003647188.2).